The following is an entry in ClinVar:

ClinVar aggregate classification (germline): Uncertain significance (1 of 4 stars; one submission).

Submission:

Labcorp Genetics (formerly Invitae), Labcorp
Classification: Uncertain significance. Last evaluated: 2022-03-09. Review status: criteria provided, single submitter. Criteria: Invitae Variant Classification Sherloc (09022015). Collection method: clinical testing. Allele origin: germline.
Comment: This sequence change replaces serine, which is neutral and polar, with asparagine, which is neutral and polar, at codon 542 of the OTOA protein (p.Ser542Asn). This variant is not present in population databases (gnomAD no frequency). This variant has not been reported in the literature in individuals affected with OTOA-related conditions. Algorithms developed to predict the effect of missense changes on protein structure and function (SIFT, PolyPhen-2, Align-GVGD) all suggest that this variant is likely to be disruptive. In summary, the available evidence is currently insufficient to determine the role of this variant in disease. Therefore, it has been classified as a Variant of Uncertain Significance.

NM_144672.4(OTOA):c.1625G>A (p.Ser542Asn)

Gene: OTOA (otoancorin). Cytogenetic location: 16p12.2.
Variant type: single nucleotide variant.
Coding change: c.1625G>A on transcript NM_144672.4 (MANE Select); coding-DNA position 1625, G replaced by A.
Protein change: p.Ser542Asn; replaces serine 542 with asparagine.
Molecular consequence: missense variant.
Genome position (GRCh38, 1-based): chr16:21,717,043, G>A. VCF-style: chr16-21717043-G-A. GRCh37 (hg19) VCF-style: chr16-21728364-G-A.
Other names: c.1388G>A, p.Ser463Asn (NM_001161683.2); c.653G>A, p.Ser218Asn (NM_170664.3); short protein forms S542N, S463N, S218N.
Identifiers: ClinVar variation 2066362 (VCV002066362.4), dbSNP rs2507034388, ClinGen allele CA395064082.